The following is an entry in ClinVar:

ClinVar aggregate classification (germline): Benign. Review status: criteria provided, multiple submitters, no conflicts (2 of 4 stars). 2 submissions from 2 submitters: Benign (2). Last evaluated 2018-01-13.

Conditions:
Immunodeficiency 51 (IMD51). Also called: CANDIDIASIS, FAMILIAL, 5. Identifiers: Orphanet 1334, MedGen C4310803, MONDO:0013500, OMIM 613953.

Allele frequency attached by ClinVar (database versions not stated): gnomAD exomes 0.00298; 1000 Genomes Project 0.02216; 1000 Genomes Project 30x 0.02264; gnomAD 0.02590 and 0.02803; TOPMed 0.02927.
gnomAD v4.1: 5,181 of 556,532 alleles (0.93%); highest among the groups gnomAD compares: African/African-American, 8.9%; 203 homozygotes.

Submissions (2):

Illumina Laboratory Services, Illumina
Classification: Benign for Immunodeficiency 51. Last evaluated: 2018-01-13. Review status: criteria provided, single submitter. Criteria: ICSL Variant Classification Criteria 13 December 2019. Collection method: clinical testing. Allele origin: germline.
Comment: This variant was observed in the ICSL laboratory as part of a predisposition screen in an ostensibly healthy population. It had not been previously curated by ICSL or reported in the Human Gene Mutation Database (HGMD: prior to June 1st, 2018), and was therefore a candidate for classification through an automated scoring system. Utilizing variant allele frequency, disease prevalence and penetrance estimates, and inheritance mode, an automated score was calculated to assess if this variant is too frequent to cause the disease. Based on the score and internal cut-off values, a variant classified as benign is not then subjected to further curation. The score for this variant resulted in a classification of benign for this disease.

Breakthrough Genomics
Classification: Benign. Review status: criteria provided, single submitter. Criteria: ACMG Guidelines, 2015. Collection method: not provided. Allele origin: germline. Inheritance: Autosomal recessive inheritance. Affected: yes.

NM_014339.7(IL17RA):c.*249A>C

Gene: IL17RA (interleukin 17 receptor A; plus strand). Cytogenetic location: 22q11.1.
Variant type: single nucleotide variant.
Coding change: c.*249A>C on transcript NM_014339.7 (MANE Select); 249 bases downstream of the stop codon, A replaced by C.
Molecular consequence: 3 prime UTR variant.
Genome position (GRCh38, 1-based): chr22:17,110,069, A>C. VCF-style: chr22-17110069-A-C. GRCh37 (hg19) VCF-style: chr22-17590959-A-C.
Other names: c.*249A>C (NM_001289905.2).
Identifiers: ClinVar variation 340620 (VCV000340620.6), dbSNP rs5994164, ClinGen allele CA10653772.
Genomic context (GRCh38, chr22:17,110,069, plus strand): 5'-GTCTATCCCCAGGGGAATCCACACAGCCCGCTCCCAGGAGCTAATGGTAGAGCGTCCTTG[A>C]GGCTCCATTATTCGTTCATTCAGCATTTATTGTGCACCTACTATGTGGCGGGCATTTGGG-3'